The following is an entry in ClinVar:

NM_000268.4(NF2):c.1043A>T (p.Glu348Val)

Gene: NF2 (NF2, moesin-ezrin-radixin like (MERLIN) tumor suppressor; plus strand). Cytogenetic location: 22q12.2.
Variant type: single nucleotide variant.
Coding change: c.1043A>T on transcript NM_000268.4 (MANE Select); coding-DNA position 1043, A replaced by T.
Protein change: p.Glu348Val; replaces glutamic acid 348 with valine.
Molecular consequence: missense variant. On other transcripts: non-coding transcript variant (1), intron variant (1).
Genome position (GRCh38, 1-based): chr22:29,671,869, A>T. VCF-style: chr22-29671869-A-T. GRCh37 (hg19) VCF-style: chr22-30067858-A-T.
Other names: c.929A>T, p.Glu310Val (NM_001407053.1, NM_001407056.1); c.920A>T, p.Glu307Val (NM_001407054.1, NM_001407058.1, NM_181829.3); c.917A>T, p.Glu306Val (NM_001407055.1, NM_181828.3); c.908A>T, p.Glu303Val (NM_001407057.1, NM_001407059.1); c.1043A>T, p.Glu348Val (NM_001407060.1, NM_001407066.1, NM_016418.5 and 2 more transcripts); c.785A>T, p.Glu262Val (NM_001407062.1); c.794A>T, p.Glu265Val (NM_001407063.1, NM_001407064.1, NM_181830.3 and 1 more transcripts); c.509A>T, p.Glu170Val (NM_001407065.1); and 2 more; short protein forms E262V, E271V, E170V, E306V, E307V, E310V, E348V, E265V.
Identifiers: ClinVar variation 2050069 (VCV002050069.4), dbSNP rs1601644053, ClinGen allele CA411146876.
Genomic context (GRCh38, chr22:29,671,869, plus strand): 5'-TTCTTCACCCCTCGCAGATGGAGCGGCAGCGCCTCGCTCGAGAGAAGCAGATGAGGGAGG[A>T]GGCTGAACGCACGAGGGATGAGTTGGAGAGGAGGCTGCTGCAGATGAAAGAAGAAGCAAC-3'
Protein context (NP_000259.1, residues 338-358): RLAREKQMRE[Glu348Val]AERTRDELER

ClinVar aggregate classification (germline): Uncertain significance (1 of 4 stars; one submission).

Conditions:
Neurofibromatosis, type 2 (SWNV). Also called: NF2-Related Schwannomatosis; BILATERAL ACOUSTIC NEUROFIBROMATOSIS; SCHWANNOMATOSIS, VESTIBULAR. Identifiers: Orphanet 637, MedGen C0027832, MONDO:0007039, OMIM 101000. Disease mechanism: loss of function.

Submission:

Labcorp Genetics (formerly Invitae), Labcorp
Classification: Uncertain significance for Neurofibromatosis, type 2. Last evaluated: 2024-04-22. Review status: criteria provided, single submitter. Criteria: Invitae Variant Classification Sherloc (09022015). Collection method: clinical testing. Allele origin: germline.
Comment: This sequence change replaces glutamic acid, which is acidic and polar, with valine, which is neutral and non-polar, at codon 348 of the NF2 protein (p.Glu348Val). This variant is not present in population databases (gnomAD no frequency). This variant has not been reported in the literature in individuals affected with NF2-related conditions. ClinVar contains an entry for this variant (Variation ID: 2050069). Advanced modeling of protein sequence and biophysical properties (such as structural, functional, and spatial information, amino acid conservation, physicochemical variation, residue mobility, and thermodynamic stability) performed at Invitae indicates that this missense variant is not expected to disrupt NF2 protein function with a negative predictive value of 80%. In summary, the available evidence is currently insufficient to determine the role of this variant in disease. Therefore, it has been classified as a Variant of Uncertain Significance.